The following is an entry in ClinVar:

NM_000455.5(STK11):c.663G>T (p.Pro221=)

Gene: STK11 (serine/threonine kinase 11; plus strand). Cytogenetic location: 19p13.3.
Variant type: single nucleotide variant.
Coding change: c.663G>T on transcript NM_000455.5 (MANE Select); coding-DNA position 663, G replaced by T.
Protein change: p.Pro221=; no amino-acid change (proline 221 retained).
Molecular consequence: synonymous variant.
Genome position (GRCh38, 1-based): chr19:1,220,646, G>T. VCF-style: chr19-1220646-G-T. GRCh37 (hg19) VCF-style: chr19-1220645-G-T.
Identifiers: ClinVar variation 381237 (VCV000381237.18), dbSNP rs587780720, ClinGen allele CA048457.

ClinVar aggregate classification (germline): Benign/Likely benign. Review status: criteria provided, multiple submitters, no conflicts (2 of 4 stars). 6 submissions from 6 submitters: Benign (1); Likely benign (5). Last evaluated 2025-03-26.

Conditions:
Hereditary cancer-predisposing syndrome. Also called: Hereditary neoplastic syndrome; Tumor predisposition; Neoplastic Syndromes, Hereditary; Hereditary Cancer Syndrome. Identifiers: Orphanet 140162, MedGen C0027672, MeSH D009386, MONDO:0015356.
Peutz-Jeghers syndrome (PJS). Also called: Peutz-Jeghers polyposis; Periorificial lentiginosis syndrome; POLYPOSIS, HAMARTOMATOUS INTESTINAL; POLYPS-AND-SPOTS SYNDROME. Identifiers: Orphanet 2869, MedGen C0031269, MeSH D010580, MONDO:0008280, OMIM 175200.

Allele frequency attached by ClinVar (database versions not stated): ExAC 0.00001; gnomAD 0.00001; TOPMed 0.00001.

Submissions (6):

Myriad Genetics, Inc.
Classification: Benign for Peutz-Jeghers syndrome. Last evaluated: 2025-03-26. Review status: criteria provided, single submitter. Criteria: Myriad Autosomal Dominant, Autosomal Recessive and X-Linked Classification Criteria (2023). Collection method: clinical testing. Allele origin: unknown.
Comment: This variant is considered benign. This variant is a silent/synonymous amino acid change and it is not expected to impact splicing.

Labcorp Genetics (formerly Invitae), Labcorp
Classification: Likely benign for Peutz-Jeghers syndrome. Last evaluated: 2024-10-22. Review status: criteria provided, single submitter. Criteria: Invitae Variant Classification Sherloc (09022015). Collection method: clinical testing. Allele origin: germline.

All of Us Research Program, National Institutes of Health
Classification: Likely benign for Peutz-Jeghers syndrome. Last evaluated: 2023-09-18. Review status: criteria provided, single submitter. Criteria: ACMG Guidelines, 2015. Collection method: clinical testing. Allele origin: germline. Inheritance: Autosomal dominant inheritance. Observed: 1 variant allele, 1 heterozygote.
Comment: This study involves interpretation of variants in research participants for the purpose of population health screening. Participant phenotype was not available at the time of variant classification. Additional details can be found in publication PMID: 35346344, PMCID: PMC8962531

Color Diagnostics, LLC DBA Color Health
Classification: Likely benign for Hereditary cancer-predisposing syndrome. Last evaluated: 2018-04-16. Review status: criteria provided, single submitter. Criteria: ACMG Guidelines, 2015. Collection method: clinical testing. Allele origin: germline.

Ambry Genetics
Classification: Likely benign for Hereditary cancer-predisposing syndrome. Last evaluated: 2015-12-07. Review status: criteria provided, single submitter. Criteria: Ambry Variant Classification Scheme 2023. Collection method: clinical testing. Allele origin: germline.

GeneDx
Classification: Likely benign. Last evaluated: 2015-10-22. Review status: criteria provided, single submitter. Criteria: GeneDx Variant Classification (06012015). Collection method: clinical testing. Allele origin: germline. Affected: yes.
Comment: This variant is considered likely benign or benign based on one or more of the following criteria: it is a conservative change, it occurs at a poorly conserved position in the protein, it is predicted to be benign by multiple in silico algorithms, and/or has population frequency not consistent with disease.